The following is an entry in ClinVar:

NM_014989.7(RIMS1):c.3901C>G (p.Arg1301Gly)

Gene: RIMS1 (regulating synaptic membrane exocytosis 1; plus strand). Cytogenetic location: 6q13.
Variant type: single nucleotide variant.
Coding change: c.3901C>G on transcript NM_014989.7 (MANE Select); coding-DNA position 3901, C replaced by G.
Protein change: p.Arg1301Gly; replaces arginine 1301 with glycine.
Molecular consequence: missense variant. On other transcripts: intron variant (24).
Genome position (GRCh38, 1-based): chr6:72,307,308, C>G. VCF-style: chr6-72307308-C-G. GRCh37 (hg19) VCF-style: chr6-73017011-C-G.
Other names: c.1861C>G, p.Arg621Gly (NM_001168407.2); c.1822C>G, p.Arg608Gly (NM_001350414.2); c.1945C>G, p.Arg649Gly (NM_001350415.2); c.1894C>G, p.Arg632Gly (NM_001350416.2); c.1867C>G, p.Arg623Gly (NM_001350418.2); c.1975C>G, p.Arg659Gly (NM_001350420.2); c.1720C>G, p.Arg574Gly (NM_001350421.2); c.1636C>G, p.Arg546Gly (NM_001350423.2, NM_001350444.2); and 51 more; short protein forms R490G, R517G, R546G, R568G, R581G, R601G, R649G, R685G.
Identifiers: ClinVar variation 4745278 (VCV004745278.2).

ClinVar aggregate classification (germline): Uncertain significance. Review status: criteria provided, multiple submitters, no conflicts (2 of 4 stars). 2 submissions from 2 submitters: Uncertain significance (2). Last evaluated 2025-08-25.

gnomAD v4.1: 83 of 1,605,966 alleles (0.0052%); highest among the groups gnomAD compares: Non-Finnish European, 0.0068%; no homozygotes.

Submissions (2):

Labcorp Genetics (formerly Invitae), Labcorp
Classification: Uncertain significance. Last evaluated: 2025-08-25. Review status: criteria provided, single submitter. Criteria: Invitae Variant Classification Sherloc (09022015). Collection method: clinical testing. Allele origin: germline.
Comment: This sequence change replaces arginine, which is basic and polar, with glycine, which is neutral and non-polar, at codon 1301 of the RIMS1 protein (p.Arg1301Gly). The frequency data for this variant in the population databases is considered unreliable, as metrics indicate poor data quality at this position in the gnomAD database. This variant has not been reported in the literature in individuals affected with RIMS1-related conditions. An algorithm developed to predict the effect of missense changes on protein structure and function (PolyPhen-2) suggests that this variant is likely to be disruptive. In summary, the available evidence is currently insufficient to determine the role of this variant in disease. Therefore, it has been classified as a Variant of Uncertain Significance.

Blueprint Genetics
Classification: Uncertain significance. Last evaluated: 2024-08-08. Review status: criteria provided, single submitter. Criteria: ACMG Guidelines, 2015. Collection method: clinical testing. Allele origin: germline.